The following is an entry in ClinVar:

NM_004958.4(MTOR):c.2630A>G (p.Asn877Ser)

Gene: MTOR (mechanistic target of rapamycin kinase; minus strand). Cytogenetic location: 1p36.22.
Variant type: single nucleotide variant.
Coding change: c.2630A>G on transcript NM_004958.4 (MANE Select); coding-DNA position 2630, A replaced by G.
Protein change: p.Asn877Ser; replaces asparagine 877 with serine.
Molecular consequence: missense variant.
Genome position (GRCh38, 1-based): chr1:11,231,319, T>C on the plus strand (A>G on the coding strand, the complement: MTOR is on the minus strand). VCF-style: chr1-11231319-T-C. GRCh37 (hg19) VCF-style: chr1-11291376-T-C.
Other names: c.2630A>G, p.Asn877Ser (NM_001386500.1); c.1382A>G, p.Asn461Ser (NM_001386501.1); short protein forms N461S, N877S.
Identifiers: ClinVar variation 2139093 (VCV002139093.4), dbSNP rs1647008376, ClinGen allele CA338382290.

ClinVar aggregate classification (germline): Uncertain significance (1 of 4 stars; one submission).

Allele frequency attached by ClinVar (database versions not stated): gnomAD exomes below 0.00001; gnomAD 0.00001.
gnomAD v4.1: 2 of 1,614,014 alleles (0.00012%); highest among the groups gnomAD compares: Admixed American, 0.0033%; no homozygotes.

Submission:

Labcorp Genetics (formerly Invitae), Labcorp
Classification: Uncertain significance. Last evaluated: 2024-12-03. Review status: criteria provided, single submitter. Criteria: Invitae Variant Classification Sherloc (09022015). Collection method: clinical testing. Allele origin: germline.
Comment: This sequence change replaces asparagine, which is neutral and polar, with serine, which is neutral and polar, at codon 877 of the MTOR protein (p.Asn877Ser). This variant is not present in population databases (gnomAD no frequency). This variant has not been reported in the literature in individuals affected with MTOR-related conditions. ClinVar contains an entry for this variant (Variation ID: 2139093). Invitae Evidence Modeling of protein sequence and biophysical properties (such as structural, functional, and spatial information, amino acid conservation, physicochemical variation, residue mobility, and thermodynamic stability) indicates that this missense variant is not expected to disrupt MTOR protein function with a negative predictive value of 95%. In summary, the available evidence is currently insufficient to determine the role of this variant in disease. Therefore, it has been classified as a Variant of Uncertain Significance.